The following is an entry in ClinVar:

ClinVar aggregate classification (germline): Uncertain significance (1 of 4 stars; one submission).

gnomAD v4.1: 13 of 1,535,074 alleles (0.00085%); highest among the groups gnomAD compares: Non-Finnish European, 0.0011%; no homozygotes.

Submission:

GeneDx
Classification: Uncertain significance. Last evaluated: 2026-03-31. Review status: criteria provided, single submitter. Criteria: GeneDx Variant Classification Process June 2021. Collection method: clinical testing. Allele origin: germline.
Comment: Not observed at significant frequency in large population cohorts (gnomAD); In silico analysis supports a deleterious effect on splicing; In silico analysis suggests that this missense variant does not alter protein structure/function; Has not been previously published as pathogenic or benign to our knowledge

NM_001367479.1(DNAH14):c.3326A>G (p.Lys1109Arg)

Gene: DNAH14 (dynein axonemal heavy chain 14; plus strand). Cytogenetic location: 1q42.12.
Variant type: single nucleotide variant.
Coding change: c.3326A>G on transcript NM_001367479.1 (MANE Select); coding-DNA position 3326, A replaced by G.
Protein change: p.Lys1109Arg; replaces lysine 1109 with arginine.
Molecular consequence: missense variant.
Genome position (GRCh38, 1-based): chr1:225,082,738, A>G. VCF-style: chr1-225082738-A-G. GRCh37 (hg19) VCF-style: chr1-225270440-A-G.
Other names: NM_001373.1:c.3326A>G; short protein forms K1109R.
Identifiers: ClinVar variation 5016859 (VCV005016859.1).